The following is an entry in ClinVar:

NM_198578.4(LRRK2):c.1101+3A>G

Gene: LRRK2 (leucine rich repeat kinase 2; plus strand). Cytogenetic location: 12q12.
Variant type: single nucleotide variant.
Coding change: c.1101+3A>G on transcript NM_198578.4 (MANE Select); 3 bases into the intron after coding-DNA position 1101, A replaced by G.
Molecular consequence: intron variant.
Genome position (GRCh38, 1-based): chr12:40,251,377, A>G. VCF-style: chr12-40251377-A-G. GRCh37 (hg19) VCF-style: chr12-40645179-A-G.
Identifiers: ClinVar variation 2038865 (VCV002038865.4), dbSNP rs2499504265, ClinGen allele CA2580085421.

ClinVar aggregate classification (germline): Uncertain significance (1 of 4 stars; one submission).

Conditions:
Autosomal dominant Parkinson disease 8. Also called: Parkinson disease 8, susceptibility to; LRRK2-Related Parkinson Disease; Parkinson disease 8. Identifiers: Orphanet 411602, MedGen C1846862, MONDO:0011764, OMIM 607060.

Submission:

Labcorp Genetics (formerly Invitae), Labcorp
Classification: Uncertain significance for Autosomal dominant Parkinson disease 8. Last evaluated: 2021-12-09. Review status: criteria provided, single submitter. Criteria: Invitae Variant Classification Sherloc (09022015). Collection method: clinical testing. Allele origin: germline.
Comment: Variants that disrupt the consensus splice site are a relatively common cause of aberrant splicing (PMID: 17576681, 9536098). Algorithms developed to predict the effect of sequence changes on RNA splicing suggest that this variant may disrupt the consensus splice site. This variant has not been reported in the literature in individuals affected with LRRK2-related conditions. This variant is not present in population databases (gnomAD no frequency). This sequence change falls in intron 9 of the LRRK2 gene. It does not directly change the encoded amino acid sequence of the LRRK2 protein. It affects a nucleotide within the consensus splice site. In summary, the available evidence is currently insufficient to determine the role of this variant in disease. Therefore, it has been classified as a Variant of Uncertain Significance.

Literature cited by the submitters: PubMed 17576681; PubMed 9536098.